The following is an entry in ClinVar:

NM_006158.5(NEFL):c.104C>T (p.Thr35Ile)

Gene: NEFL (neurofilament light chain; minus strand). Cytogenetic location: 8p21.2.
Variant type: single nucleotide variant.
Coding change: c.104C>T on transcript NM_006158.5 (MANE Select); coding-DNA position 104, C replaced by T.
Protein change: p.Thr35Ile; replaces threonine 35 with isoleucine.
Molecular consequence: missense variant.
Genome position (GRCh38, 1-based): chr8:24,956,412, G>A on the plus strand (C>T on the coding strand, the complement: NEFL is on the minus strand). VCF-style: chr8-24956412-G-A. GRCh37 (hg19) VCF-style: chr8-24813926-G-A.
Other names: c.104C>T (NM_006158.3); short protein forms T35I.
Identifiers: ClinVar variation 2139506 (VCV002139506.5), dbSNP rs1803057266, ClinGen allele CA370624015.
Genomic context (GRCh38, chr8:24,956,412, plus strand): 5'-CGGCGCACGGACAGCGAGGAAGACACCGGCGCCGAGTAGCTGGAGTAAGCTGAGCGTGCG[G>A]TGCTGTAGCCGCTGCGCACGCTGGAGATGTGCACCCGGGGCGTCTCCACGTAGCGCCGCT-3'
Protein context (NP_006149.2, residues 25-45): HISSVRSGYS[Thr35Ile]ARSAYSSYSA

ClinVar aggregate classification (germline): Uncertain significance. Review status: criteria provided, multiple submitters, no conflicts (2 of 4 stars). 2 submissions from 2 submitters: Uncertain significance (2). Last evaluated 2025-11-26.

Conditions:
Inborn genetic diseases. Identifiers: MedGen C0950123, MeSH D030342.
Charcot-Marie-Tooth disease type 2E (CMT2E). Also called: CHARCOT-MARIE-TOOTH DISEASE, AXONAL, TYPE 2E; CHARCOT-MARIE-TOOTH NEUROPATHY, TYPE 2E. Identifiers: Orphanet 99939, MedGen C1843225, MONDO:0011894, OMIM 607684.

Allele frequency attached by ClinVar (database versions not stated): gnomAD 0.00001; TOPMed 0.00001.

Submissions (2):

Ambry Genetics
Classification: Uncertain significance for Inborn genetic diseases. Last evaluated: 2025-11-26. Review status: criteria provided, single submitter. Criteria: Ambry Variant Classification Scheme 2023. Collection method: clinical testing. Allele origin: germline.

Labcorp Genetics (formerly Invitae), Labcorp
Classification: Uncertain significance for Charcot-Marie-Tooth disease type 2E. Last evaluated: 2021-12-23. Review status: criteria provided, single submitter. Criteria: Invitae Variant Classification Sherloc (09022015). Collection method: clinical testing. Allele origin: germline.
Comment: This sequence change replaces threonine, which is neutral and polar, with isoleucine, which is neutral and non-polar, at codon 35 of the NEFL protein (p.Thr35Ile). This variant is not present in population databases (gnomAD no frequency). This variant has not been reported in the literature in individuals affected with NEFL-related conditions. Experimental studies and prediction algorithms are not available or were not evaluated, and the functional significance of this variant is currently unknown. In summary, the available evidence is currently insufficient to determine the role of this variant in disease. Therefore, it has been classified as a Variant of Uncertain Significance.